The following is an entry in ClinVar:

ClinVar aggregate classification (germline): Uncertain significance. Review status: criteria provided, multiple submitters, no conflicts (2 of 4 stars). 2 submissions from 2 submitters: Uncertain significance (2). Last evaluated 2025-01-29.

Conditions:
Cardiovascular phenotype. Identifiers: MedGen CN230736.

Allele frequency attached by ClinVar (database versions not stated): TOPMed 0.00001.

Submissions (2):

GeneDx
Classification: Uncertain significance. Last evaluated: 2025-01-29. Review status: criteria provided, single submitter. Criteria: GeneDx Variant Classification Process June 2021. Collection method: clinical testing. Allele origin: germline. Affected: yes.
Comment: Not observed at significant frequency in large population cohorts (gnomAD); In silico analysis supports that this missense variant has a deleterious effect on protein structure/function; Has not been previously published as pathogenic or benign to our knowledge

Ambry Genetics
Classification: Uncertain significance for Cardiovascular phenotype. Last evaluated: 2023-03-07. Review status: criteria provided, single submitter. Criteria: Ambry Variant Classification Scheme 2023. Collection method: clinical testing. Allele origin: germline.
Comment: The p.G1720S variant (also known as c.5158G>A), located in coding exon 26 of the APOB gene, results from a G to A substitution at nucleotide position 5158. The glycine at codon 1720 is replaced by serine, an amino acid with similar properties. This amino acid position is conserved. In addition, this alteration is predicted to be tolerated by in silico analysis. Since supporting evidence is limited at this time, the clinical significance of this alteration remains unclear.

NM_000384.3(APOB):c.5158G>A (p.Gly1720Ser)

Gene: APOB (apolipoprotein B; minus strand). Cytogenetic location: 2p24.1.
Variant type: single nucleotide variant.
Coding change: c.5158G>A on transcript NM_000384.3 (MANE Select); coding-DNA position 5158, G replaced by A.
Protein change: p.Gly1720Ser; replaces glycine 1720 with serine.
Molecular consequence: missense variant.
Genome position (GRCh38, 1-based): chr2:21,011,710, C>T on the plus strand (G>A on the coding strand, the complement: APOB is on the minus strand). VCF-style: chr2-21011710-C-T. GRCh37 (hg19) VCF-style: chr2-21234582-C-T.
Other names: short protein forms G1720S.
Identifiers: ClinVar variation 2451343 (VCV002451343.3), dbSNP rs995589361, ClinGen allele CA43507210.
Genomic context (GRCh38, chr2:21,011,710, plus strand): 5'-TTGAGAGCTTAAGTCCTTCTTGACTGACCTTGAAGTTGAAAATGTTTTTGCTGTCGACAC[C>T]CAGAATCATGGCCTGATAAGCACTTCCCAGTGATAGCTCTGTGAGGGCGGCTTTCCCATC-3'
Protein context (NP_000375.3, residues 1710-1730): LGSAYQAMIL[Gly1720Ser]VDSKNIFNFK